The following is an entry in ClinVar:

ClinVar aggregate classification (germline): Uncertain significance (1 of 4 stars; one submission).

Submission:

GeneDx
Classification: Uncertain significance. Last evaluated: 2020-06-24. Review status: criteria provided, single submitter. Criteria: GeneDx Variant Classification Process June 2021. Collection method: clinical testing. Allele origin: germline. Affected: yes.
Comment: In silico analysis supports that this missense variant has a deleterious effect on protein structure/function; Has not been previously published as pathogenic or benign to our knowledge

NM_000407.5(GP1BB):c.544G>A (p.Ala182Thr)

Genes: GP1BB (glycoprotein Ib platelet subunit beta; plus strand), SEPT5-GP1BB (SEPT5-GP1BB readthrough; plus strand). Cytogenetic location: 22q11.21.
Variant type: single nucleotide variant.
Coding change: c.544G>A on transcript NM_000407.5 (MANE Select); coding-DNA position 544, G replaced by A.
Protein change: p.Ala182Thr; replaces alanine 182 with threonine.
Molecular consequence: missense variant. On other transcripts: non-coding transcript variant (2).
Genome position (GRCh38, 1-based): chr22:19,724,387, G>A. VCF-style: chr22-19724387-G-A. GRCh37 (hg19) VCF-style: chr22-19711910-G-A.
Other names: short protein forms A182T.
Identifiers: ClinVar variation 1320932 (VCV001320932.2), dbSNP rs542853528, ClinGen allele CA322080125.